The following is an entry in ClinVar:

ClinVar aggregate classification (germline): Conflicting classifications of pathogenicity. Review status: criteria provided, conflicting classifications (1 of 4 stars). 9 submissions from 6 submitters: Uncertain significance (1); Benign (6); Likely benign (1). 1 of the submissions does not count toward it. Last evaluated 2026-03-18.

Conditions:
Congenital myopathy 18. Also called: DIHYDROPYRIDINE RECEPTOR CONGENITAL MYOPATHY; DHPR CONGENITAL MYOPATHY; Myopathy, congenital, due to dihydropyridine receptor defect. Identifiers: MedGen C5830283, MONDO:0859514, OMIM 620246.
Malignant hyperthermia, susceptibility to, 5 (MHS5). Also called: CACNA1S-Related Malignant Hyperthermia Susceptibility. Identifiers: Orphanet 423, MedGen C1866077, MONDO:0011163, OMIM 601887.
Hypokalemic periodic paralysis, type 1. Also called: Hypokalemic Periodic Paralysis Type 1 (AD); HypoPP. Identifiers: Orphanet 681, MedGen C3714580, MONDO:0042979, OMIM 170400.
Thyrotoxic periodic paralysis, susceptibility to, 1 (TTPP1). Identifiers: Orphanet 79102, MedGen C2749982, MONDO:0008570, OMIM 188580.
CACNA1S-related disorder. Also called: CACNA1S-related condition.

Allele frequency attached by ClinVar (database versions not stated): gnomAD 0.00005 and 0.00009; TOPMed 0.00006; 1000 Genomes Project 30x 0.00031; 1000 Genomes Project 0.00040.
gnomAD v4.1: 207 of 1,612,730 alleles (0.013%); highest among the groups gnomAD compares: East Asian, 0.38%; no homozygotes.

Submissions (9):

GeneDx
Classification: Uncertain significance. Last evaluated: 2026-03-18. Review status: criteria provided, single submitter. Criteria: GeneDx Variant Classification Process June 2021. Collection method: clinical testing. Allele origin: germline.
Comment: In silico analysis suggests that this missense variant does not alter protein structure/function; Has not been previously published as pathogenic or benign to our knowledge

Labcorp Genetics (formerly Invitae), Labcorp
Classification: Benign for Hypokalemic periodic paralysis, type 1; Malignant hyperthermia, susceptibility to, 5. Last evaluated: 2025-08-17. Review status: criteria provided, single submitter. Criteria: Invitae Variant Classification Sherloc (09022015). Collection method: clinical testing. Allele origin: germline.

Genome-Nilou Lab
Classification: Benign for Malignant hyperthermia, susceptibility to, 5. Last evaluated: 2023-04-11. Review status: criteria provided, single submitter. Criteria: ACMG Guidelines, 2015. Collection method: clinical testing. Allele origin: germline. Affected: no.

Genome-Nilou Lab
Classification: Benign for Thyrotoxic periodic paralysis, susceptibility to, 1. Last evaluated: 2023-04-11. Review status: criteria provided, single submitter. Criteria: ACMG Guidelines, 2015. Collection method: clinical testing. Allele origin: germline. Affected: no.

Genome-Nilou Lab
Classification: Benign for Congenital myopathy 18. Last evaluated: 2023-04-11. Review status: criteria provided, single submitter. Criteria: ACMG Guidelines, 2015. Collection method: clinical testing. Allele origin: germline. Affected: no.

Genome-Nilou Lab
Classification: Benign for Hypokalemic periodic paralysis, type 1. Last evaluated: 2023-04-11. Review status: criteria provided, single submitter. Criteria: ACMG Guidelines, 2015. Collection method: clinical testing. Allele origin: germline. Affected: no.

Color Diagnostics, LLC DBA Color Health
Classification: Likely benign for Malignant hyperthermia, susceptibility to, 5. Last evaluated: 2023-01-27. Review status: criteria provided, single submitter. Criteria: ACMG Guidelines, 2015. Collection method: clinical testing. Allele origin: germline.

Illumina Laboratory Services, Illumina
Classification: Benign for Hypokalemic periodic paralysis, type 1. Last evaluated: 2018-01-12. Review status: criteria provided, single submitter. Criteria: ICSL Variant Classification Criteria 13 December 2019. Collection method: clinical testing. Allele origin: germline.
Comment: This variant was observed in the ICSL laboratory as part of a predisposition screen in an ostensibly healthy population. It had not been previously curated by ICSL or reported in the Human Gene Mutation Database (HGMD: prior to June 1st, 2018), and was therefore a candidate for classification through an automated scoring system. Utilizing variant allele frequency, disease prevalence and penetrance estimates, and inheritance mode, an automated score was calculated to assess if this variant is too frequent to cause the disease. Based on the score and internal cut-off values, a variant classified as benign is not then subjected to further curation. The score for this variant resulted in a classification of benign for this disease.

PreventionGenetics, part of Exact Sciences
Classification: Likely benign for CACNA1S-related condition. Last evaluated: 2022-05-25. Review status: no assertion criteria provided. Collection method: clinical testing. Allele origin: germline. Not counted in ClinVar's aggregate classification.
Comment: This variant is classified as likely benign based on ACMG/AMP sequence variant interpretation guidelines (Richards et al. 2015 PMID: 25741868, with internal and published modifications).

NM_000069.3(CACNA1S):c.1936G>A (p.Val646Ile)

Gene: CACNA1S (calcium voltage-gated channel subunit alpha1 S; minus strand). Cytogenetic location: 1q32.1.
Variant type: single nucleotide variant.
Coding change: c.1936G>A on transcript NM_000069.3 (MANE Select); coding-DNA position 1936, G replaced by A.
Protein change: p.Val646Ile; replaces valine 646 with isoleucine.
Molecular consequence: missense variant.
Genome position (GRCh38, 1-based): chr1:201,075,507, C>T on the plus strand (G>A on the coding strand, the complement: CACNA1S is on the minus strand). VCF-style: chr1-201075507-C-T. GRCh37 (hg19) VCF-style: chr1-201044635-C-T.
Other names: short protein forms V646I.
Identifiers: ClinVar variation 873871 (VCV000873871.16), dbSNP rs139860737, ClinGen allele CA078673.